The following is an entry in ClinVar:

ClinVar aggregate classification (germline): Uncertain significance (1 of 4 stars; one submission).

Submission:

Labcorp Genetics (formerly Invitae), Labcorp
Classification: Uncertain significance. Last evaluated: 2022-10-20. Review status: criteria provided, single submitter. Criteria: Invitae Variant Classification Sherloc (09022015). Collection method: clinical testing. Allele origin: germline.
Comment: In summary, the available evidence is currently insufficient to determine the role of this variant in disease. Therefore, it has been classified as a Variant of Uncertain Significance. Experimental studies and prediction algorithms are not available or were not evaluated, and the functional significance of this variant is currently unknown. This variant has not been reported in the literature in individuals affected with TET2-related conditions. This variant is not present in population databases (gnomAD no frequency). This sequence change creates a premature translational stop signal (p.Ile490Tyrfs*14) in the TET2 gene. It is expected to result in an absent or disrupted protein product. However, the current clinical and genetic evidence is not sufficient to establish whether loss-of-function variants in TET2 cause disease.

NM_001127208.3(TET2):c.1467_1468insT (p.Ile490fs)

Genes: TET2 (tet methylcytosine dioxygenase 2; plus strand), TET2-AS1 (TET2 antisense RNA 1; minus strand). Cytogenetic location: 4q24.
Variant type: Insertion.
Coding change: c.1467_1468insT on transcript NM_001127208.3 (MANE Select); coding-DNA positions 1467 to 1468, T inserted.
Protein change: p.Ile490fs; shifts the reading frame from isoleucine 490.
Molecular consequence: frameshift variant.
Genome position: GRCh38 VCF-style: chr4-105235409-C-CT. GRCh37 (hg19) VCF-style: chr4-106156566-C-CT.
Other names: c.1467_1468insT, p.Ile490fs (NM_017628.4); short protein forms I490fs.
Identifiers: ClinVar variation 2036244 (VCV002036244.4), dbSNP rs2476490100, ClinGen allele CA645533649.